The following is an entry in ClinVar:

ClinVar aggregate classification (germline): Uncertain significance (1 of 4 stars; one submission).

Allele frequency attached by ClinVar (database versions not stated): gnomAD exomes below 0.00001.
gnomAD v4.1: 3 of 1,613,918 alleles (0.00019%); highest among the groups gnomAD compares: Non-Finnish European, 0.00025%; no homozygotes.

Submission:

Labcorp Genetics (formerly Invitae), Labcorp
Classification: Uncertain significance. Last evaluated: 2023-08-17. Review status: criteria provided, single submitter. Criteria: Invitae Variant Classification Sherloc (09022015). Collection method: clinical testing. Allele origin: germline.
Comment: This sequence change replaces alanine, which is neutral and non-polar, with aspartic acid, which is acidic and polar, at codon 43 of the PITPNM3 protein (p.Ala43Asp). This variant is present in population databases (no rsID available, gnomAD 0.0009%). This variant has not been reported in the literature in individuals affected with PITPNM3-related conditions. ClinVar contains an entry for this variant (Variation ID: 1345738). An algorithm developed to predict the effect of missense changes on protein structure and function (PolyPhen-2) suggests that this variant is likely to be tolerated. In summary, the available evidence is currently insufficient to determine the role of this variant in disease. Therefore, it has been classified as a Variant of Uncertain Significance.

NM_031220.4(PITPNM3):c.128C>A (p.Ala43Asp)

Gene: PITPNM3 (PITPNM family member 3; minus strand). Cytogenetic location: 17p13.1.
Variant type: single nucleotide variant.
Coding change: c.128C>A on transcript NM_031220.4 (MANE Select); coding-DNA position 128, C replaced by A.
Protein change: p.Ala43Asp; replaces alanine 43 with aspartic acid.
Molecular consequence: missense variant. On other transcripts: intron variant (1).
Genome position (GRCh38, 1-based): chr17:6,525,454, G>T on the plus strand (C>A on the coding strand, the complement: PITPNM3 is on the minus strand). VCF-style: chr17-6525454-G-T. GRCh37 (hg19) VCF-style: chr17-6428774-G-T.
Other names: c.118+12533C>A (NM_001165966.2); short protein forms A43D.
Identifiers: ClinVar variation 1345738 (VCV001345738.6), dbSNP rs1196482683, ClinGen allele CA397402088.